The following is an entry in ClinVar:

ClinVar aggregate classification (germline): Conflicting classifications of pathogenicity. Review status: criteria provided, conflicting classifications (1 of 4 stars). 3 submissions from 3 submitters: Uncertain significance (2); Likely benign (1). Last evaluated 2026-01-15.

Conditions:
Hereditary spastic paraplegia 7 (SPG7). Also called: Autosomal recessive spastic paraplegia type 7; SPG7-related neurologic disorder; SPASTIC PARAPLEGIA 7, AUTOSOMAL RECESSIVE, WITH OR WITHOUT CEREBELLAR ATAXIA; Spastic paraplegia 7; Hereditary spastic paraplegia Paraplegin type. Identifiers: Orphanet 99013, MedGen C1846564, MONDO:0011803, OMIM 607259.

Submissions (3):

Labcorp Genetics (formerly Invitae), Labcorp
Classification: Uncertain significance for Hereditary spastic paraplegia 7. Last evaluated: 2026-01-15. Review status: criteria provided, single submitter. Criteria: Invitae Variant Classification Sherloc (09022015). Collection method: clinical testing. Allele origin: germline.
Comment: This sequence change falls in intron 7 of the SPG7 gene. It does not directly change the encoded amino acid sequence of the SPG7 protein. It affects a nucleotide within the consensus splice site. This variant is present in population databases (rs4785691, gnomAD 0.005%). This variant has not been reported in the literature in individuals affected with SPG7-related conditions. ClinVar contains an entry for this variant (Variation ID: 1388604). Variants that disrupt the consensus splice site are a relatively common cause of aberrant splicing (PMID: 17576681, 9536098). Algorithms developed to predict the effect of sequence changes on RNA splicing suggest that this variant is not likely to affect RNA splicing. In summary, the available evidence is currently insufficient to determine the role of this variant in disease. Therefore, it has been classified as a Variant of Uncertain Significance.

Laboratory of Genetics, Children's Clinical University Hospital Latvia
Classification: Likely benign. Last evaluated: 2025-02-16. Review status: criteria provided, single submitter. Criteria: ACMG Guidelines, 2015. Collection method: clinical testing. Allele origin: germline. Affected: yes.

Mayo Clinic Laboratories, Mayo Clinic
Classification: Uncertain significance. Last evaluated: 2023-12-07. Review status: criteria provided, single submitter. Criteria: ACMG Guidelines, 2015. Collection method: clinical testing. Allele origin: germline. Observed: 1 variant allele.
Comment: BP4

Literature cited by the submitters: PubMed 17576681 (cited by Labcorp Genetics (formerly Invitae), Labcorp); PubMed 9536098 (cited by Labcorp Genetics (formerly Invitae), Labcorp); PubMed 24272953 (cited by Mayo Clinic Laboratories, Mayo Clinic); PubMed 31048186 (cited by Mayo Clinic Laboratories, Mayo Clinic).

NM_003119.4(SPG7):c.987+5A>C

Gene: SPG7 (SPG7 matrix AAA peptidase subunit, paraplegin; plus strand). Cytogenetic location: 16q24.3.
Variant type: single nucleotide variant.
Coding change: c.987+5A>C on transcript NM_003119.4 (MANE Select); 5 bases into the intron after coding-DNA position 987, A replaced by C.
Molecular consequence: intron variant.
Genome position (GRCh38, 1-based): chr16:89,530,813, A>C. VCF-style: chr16-89530813-A-C. GRCh37 (hg19) VCF-style: chr16-89597221-A-C.
Other names: c.987+5A>C (NM_001363850.1, NM_199367.3).
Identifiers: ClinVar variation 1388604 (VCV001388604.8), dbSNP rs4785691, ClinGen allele CA8243864.